The following is an entry in ClinVar:

NM_006531.5(IFT88):c.1499A>G (p.Tyr500Cys)

Gene: IFT88 (intraflagellar transport 88; plus strand). Cytogenetic location: 13q12.11.
Variant type: single nucleotide variant.
Coding change: c.1499A>G on transcript NM_006531.5 (MANE Select); coding-DNA position 1499, A replaced by G.
Protein change: p.Tyr500Cys; replaces tyrosine 500 with cysteine.
Molecular consequence: missense variant. On other transcripts: non-coding transcript variant (4).
Genome position (GRCh38, 1-based): chr13:20,638,444, A>G. VCF-style: chr13-20638444-A-G. GRCh37 (hg19) VCF-style: chr13-21212583-A-G.
Other names: c.1442A>G, p.Tyr481Cys (NM_001318491.2, NM_001353575.2); c.1526A>G, p.Tyr509Cys (NM_001318493.2, NM_001353565.2, NM_001353566.2 and 2 more transcripts); c.1499A>G, p.Tyr500Cys (NM_001353568.2, NM_001353572.2); c.1424A>G, p.Tyr475Cys (NM_001353569.2, NM_001353570.2, NM_001353576.2 and 1 more transcripts); c.1397A>G, p.Tyr466Cys (NM_001353571.2, NM_001353578.2); c.1355A>G, p.Tyr452Cys (NM_001353573.2); c.1340A>G, p.Tyr447Cys (NM_001353574.2); c.866A>G, p.Tyr289Cys (NM_001353579.2); short protein forms Y447C, Y452C, Y475C, Y289C, Y500C, Y466C, Y509C, Y481C.
Identifiers: ClinVar variation 2034247 (VCV002034247.4), dbSNP rs1022626822, ClinGen allele CA246517601.

ClinVar aggregate classification (germline): Uncertain significance (1 of 4 stars; one submission).

Submission:

Labcorp Genetics (formerly Invitae), Labcorp
Classification: Uncertain significance. Last evaluated: 2022-04-11. Review status: criteria provided, single submitter. Criteria: Invitae Variant Classification Sherloc (09022015). Collection method: clinical testing. Allele origin: germline.
Comment: This sequence change replaces tyrosine, which is neutral and polar, with cysteine, which is neutral and slightly polar, at codon 509 of the IFT88 protein (p.Tyr509Cys). This variant is not present in population databases (gnomAD no frequency). This variant has not been reported in the literature in individuals affected with IFT88-related conditions. Algorithms developed to predict the effect of missense changes on protein structure and function are either unavailable or do not agree on the potential impact of this missense change (SIFT: "Not Available"; PolyPhen-2: "Probably Damaging"; Align-GVGD: "Not Available"). In summary, the available evidence is currently insufficient to determine the role of this variant in disease. Therefore, it has been classified as a Variant of Uncertain Significance.